The following is an entry in ClinVar:

ClinVar aggregate classification (germline): Uncertain significance. Review status: criteria provided, multiple submitters, no conflicts (2 of 4 stars). 2 submissions from 2 submitters: Uncertain significance (2). Last evaluated 2024-12-22.

Conditions:
Norman-Roberts syndrome (LIS2). Also called: Lissencephaly 2 (Norman-Roberts type). Identifiers: Orphanet 89844, MedGen C0796089, MONDO:0009760, OMIM 257320.
Familial temporal lobe epilepsy 7. Identifiers: Orphanet 101046, MedGen C4225327, MONDO:0014639, OMIM 616436.
Inborn genetic diseases. Identifiers: MedGen C0950123, MeSH D030342.

Allele frequency attached by ClinVar (database versions not stated): TOPMed below 0.00001; gnomAD exomes 0.00001.
gnomAD v4.1: 16 of 1,614,042 alleles (0.00099%); highest among the groups gnomAD compares: Non-Finnish European, 0.0014%; no homozygotes.

Submissions (2):

Labcorp Genetics (formerly Invitae), Labcorp
Classification: Uncertain significance for Familial temporal lobe epilepsy 7; Norman-Roberts syndrome. Last evaluated: 2024-12-22. Review status: criteria provided, single submitter. Criteria: Invitae Variant Classification Sherloc (09022015). Collection method: clinical testing. Allele origin: germline.
Comment: This sequence change replaces serine, which is neutral and polar, with glycine, which is neutral and non-polar, at codon 2259 of the RELN protein (p.Ser2259Gly). This variant is present in population databases (no rsID available, gnomAD 0.0009%). This variant has not been reported in the literature in individuals affected with RELN-related conditions. ClinVar contains an entry for this variant (Variation ID: 2228331). Invitae Evidence Modeling of protein sequence and biophysical properties (such as structural, functional, and spatial information, amino acid conservation, physicochemical variation, residue mobility, and thermodynamic stability) indicates that this missense variant is not expected to disrupt RELN protein function with a negative predictive value of 80%. Algorithms developed to predict the effect of sequence changes on RNA splicing suggest that this variant may create or strengthen a splice site. In summary, the available evidence is currently insufficient to determine the role of this variant in disease. Therefore, it has been classified as a Variant of Uncertain Significance.

Ambry Genetics
Classification: Uncertain significance for Inborn genetic diseases. Last evaluated: 2020-12-04. Review status: criteria provided, single submitter. Criteria: Ambry Variant Classification Scheme 2023. Collection method: clinical testing. Allele origin: germline.

NM_005045.4(RELN):c.6775A>G (p.Ser2259Gly)

Gene: RELN (reelin; minus strand). Cytogenetic location: 7q22.1.
Variant type: single nucleotide variant.
Coding change: c.6775A>G on transcript NM_005045.4 (MANE Select); coding-DNA position 6775, A replaced by G.
Protein change: p.Ser2259Gly; replaces serine 2259 with glycine.
Molecular consequence: missense variant.
Genome position (GRCh38, 1-based): chr7:103,540,352, T>C on the plus strand (A>G on the coding strand, the complement: RELN is on the minus strand). VCF-style: chr7-103540352-T-C. GRCh37 (hg19) VCF-style: chr7-103180799-T-C.
Other names: c.6775A>G, p.Ser2259Gly (NM_173054.3); short protein forms S2259G.
Identifiers: ClinVar variation 2228331 (VCV002228331.3), dbSNP rs1272980155, ClinGen allele CA368769986.
Genomic context (GRCh38, chr7:103,540,352, plus strand): 5'-CCAGGGCAATGTACCTGCCCACATTGCTGGAATTGCTGAAAAGGAACTCCTGAAGAAGAC[T>C]CCACGAGAGGCCACCGTTGAGAGAATACTGTAGGAGCACGGGTTGACTCCTGGGGTCAGG-3'
Protein context (NP_005036.2, residues 2249-2269): QYSLNGGLSW[Ser2259Gly]LLQEFLFSNS